The following is an entry in ClinVar:

ClinVar aggregate classification (germline): Pathogenic/Likely pathogenic. Review status: criteria provided, multiple submitters, no conflicts (2 of 4 stars). 5 submissions from 5 submitters: Pathogenic (2); Likely pathogenic (2). 1 of the submissions does not count toward it. Last evaluated 2025-07-02.

Conditions:
Hereditary cancer-predisposing syndrome. Also called: Hereditary Cancer Syndrome; Tumor predisposition; Hereditary neoplastic syndrome; Neoplastic Syndromes, Hereditary. Identifiers: Orphanet 140162, MedGen C0027672, MeSH D009386, MONDO:0015356.
Breast and/or ovarian cancer. Identifiers: MedGen CN221562.
Familial cancer of breast. Also called: BREAST CANCER, FAMILIAL; Hereditary breast cancer; hereditary breast carcinoma. Identifiers: Orphanet 227535, MedGen C0346153, MONDO:0016419, OMIM 114480. Disease mechanism: loss of function.
Ovarian carcinoma. Identifiers: MedGen C4721610, MONDO:0005140, HP:0025318.

Submissions (5):

Ambry Genetics
Classification: Likely pathogenic for Hereditary cancer-predisposing syndrome. Last evaluated: 2025-07-02. Review status: criteria provided, single submitter. Criteria: Ambry Variant Classification Scheme 2023. Collection method: clinical testing. Allele origin: germline.
Comment: The c.3483delT variant, located in coding exon 13 of the PALB2 gene, results from a deletion of one nucleotide at nucleotide position 3483, causing a translational frameshift with a predicted alternate stop codon (p.F1161Lfs*2). This alteration occurs at the 3' terminus of PALB2, is not expected to trigger nonsense-mediated mRNA decay, and impacts only the last 26 amino acids of the protein. However, premature stop codons are typically deleterious in nature and these last 26 amino acids are part of the functionally critical WD40 domain that is necessary for PALB2 function, stability, and interaction with BRCA2 (Oliver AW et al. EMBO Rep., 2009 Sep;10:990-6). Truncating mutations located downstream of this alteration have been identified in individuals with breast cancer, pancreatic cancer, and Fanconia anemia (Hofstatter EW et al. Fam. Cancer. 2011 Jun;10:225-31; Tischkowitz M et al. Hum. Mutat. 2012 Apr;33:674-80; Pritzlaff M et al. Breast Cancer Res. Treat. 2017 Feb;161:575-586; Dudley B et al. Cancer. 2018 Apr;124:1691-1700; Reid S et al. Nat. Genet. 2007 Feb;39:162-4). This variant is considered to be rare based on population cohorts in the Genome Aggregation Database (gnomAD). Based on the majority of available evidence to date, this variant is likely to be pathogenic.

Labcorp Genetics (formerly Invitae), Labcorp
Classification: Pathogenic for Familial cancer of breast. Last evaluated: 2025-04-17. Review status: criteria provided, single submitter. Criteria: Invitae Variant Classification Sherloc (09022015). Collection method: clinical testing. Allele origin: germline.
Comment: This sequence change creates a premature translational stop signal (p.Phe1161Leufs*2) in the PALB2 gene. While this is not anticipated to result in nonsense mediated decay, it is expected to disrupt the last 26 amino acid(s) of the PALB2 protein. This variant is not present in population databases (gnomAD no frequency). This variant has not been reported in the literature in individuals affected with PALB2-related conditions. ClinVar contains an entry for this variant (Variation ID: 1255697). This variant disrupts a region of the PALB2 protein in which other variant(s) (Tyr1183*) have been determined to be pathogenic (PMID: 17200671, 20927582, 21165770, 21365267, 26283626, 26296701). This suggests that this is a clinically significant region of the protein, and that variants that disrupt it are likely to be disease-causing. For these reasons, this variant has been classified as Pathogenic.

Myriad Genetics, Inc.
Classification: Pathogenic for Familial cancer of breast. Last evaluated: 2023-09-15. Review status: criteria provided, single submitter. Criteria: Myriad Autosomal Dominant, Autosomal Recessive and X-Linked Classification Criteria (2023). Collection method: clinical testing. Allele origin: unknown.
Comment: This variant is considered pathogenic. This variant creates a frameshift predicted to result in premature protein truncation.

CHEO Genetics Diagnostic Laboratory, Children's Hospital of Eastern Ontario
Classification: Likely pathogenic for Breast and/or ovarian cancer. Last evaluated: 2020-11-02. Review status: criteria provided, single submitter. Criteria: ACMG Guidelines, 2015. Collection method: clinical testing. Allele origin: germline.

Medical Genetics Laboratory, Umraniye Training and Research Hospital, University of Health Sciences
Classification: Likely pathogenic for Ovarian carcinoma. Last evaluated: 2021-09-12. Review status: no assertion criteria provided. Collection method: clinical testing. Allele origin: germline. Inheritance: Autosomal dominant inheritance. Affected: yes. Observed: 1 heterozygote. Not counted in ClinVar's aggregate classification.

Literature cited by the submitters: PubMed 17200671 (cited by Labcorp Genetics (formerly Invitae), Labcorp); PubMed 20927582 (cited by Labcorp Genetics (formerly Invitae), Labcorp); PubMed 21165770 (cited by Labcorp Genetics (formerly Invitae), Labcorp); PubMed 21365267 (cited by Labcorp Genetics (formerly Invitae), Labcorp); PubMed 26283626 (cited by Labcorp Genetics (formerly Invitae), Labcorp); PubMed 26296701 (cited by Labcorp Genetics (formerly Invitae), Labcorp).

NM_024675.4(PALB2):c.3483del (p.Phe1161fs)

Gene: PALB2 (partner and localizer of BRCA2; minus strand). Cytogenetic location: 16p12.2.
Variant type: Deletion.
Coding change: c.3483del on transcript NM_024675.4 (MANE Select); coding-DNA position 3483, one base deleted (T; older notation c.3483delT).
Protein change: p.Phe1161fs; shifts the reading frame from phenylalanine 1161.
Molecular consequence: frameshift variant.
Genome position (GRCh38, 1-based): chr16:23,603,537, A deleted on the plus strand (T on the coding strand, the reverse complement: PALB2 is on the minus strand); the first of 4 consecutive A bases (chr16:23,603,537-23,603,540); deleting any one gives the same sequence. VCF-style (leftmost placement, unchanged base first): chr16-23603536-CA-C. GRCh37 (hg19) VCF-style: chr16-23614857-CA-C.
Other names: c.3483delT (NM_024675.3); short protein forms F1161fs.
Identifiers: ClinVar variation 1255697 (VCV001255697.11), dbSNP rs2142252781, ClinGen allele CA2499223399.